The following is an entry in ClinVar:

ClinVar aggregate classification (germline): Uncertain significance. Review status: criteria provided, multiple submitters, no conflicts (2 of 4 stars). 2 submissions from 2 submitters: Uncertain significance (2). Last evaluated 2022-02-18.

Conditions:
Neutral lipid storage myopathy (NLSDM). Also called: NEUTRAL LIPID STORAGE DISEASE WITHOUT ICHTHYOSIS. Identifiers: Orphanet 98908, MedGen C1853136, MONDO:0012545, OMIM 610717.

Allele frequency attached by ClinVar (database versions not stated): TOPMed below 0.00001; gnomAD 0.00001; ExAC 0.00002; gnomAD exomes 0.00002.

Submissions (2):

Labcorp Genetics (formerly Invitae), Labcorp
Classification: Uncertain significance for Neutral lipid storage myopathy. Last evaluated: 2022-02-18. Review status: criteria provided, single submitter. Criteria: Invitae Variant Classification Sherloc (09022015). Collection method: clinical testing. Allele origin: germline.
Comment: This sequence change replaces histidine, which is basic and polar, with arginine, which is basic and polar, at codon 107 of the PNPLA2 protein (p.His107Arg). This variant is present in population databases (rs749654266, gnomAD 0.009%). This variant has not been reported in the literature in individuals affected with PNPLA2-related conditions. Algorithms developed to predict the effect of missense changes on protein structure and function are either unavailable or do not agree on the potential impact of this missense change (SIFT: "Deleterious"; PolyPhen-2: "Probably Damaging"; Align-GVGD: "Class C0"). Algorithms developed to predict the effect of sequence changes on RNA splicing suggest that this variant may create or strengthen a splice site. In summary, the available evidence is currently insufficient to determine the role of this variant in disease. Therefore, it has been classified as a Variant of Uncertain Significance.

Revvity Omics, Revvity
Classification: Uncertain significance for Neutral lipid storage myopathy. Last evaluated: 2020-08-19. Review status: criteria provided, single submitter. Criteria: ACMG Guidelines, 2015. Collection method: clinical testing. Allele origin: germline.

NM_020376.4(PNPLA2):c.320A>G (p.His107Arg)

Gene: PNPLA2 (patatin like domain 2, triacylglycerol lipase; plus strand). Cytogenetic location: 11p15.5.
Variant type: single nucleotide variant.
Coding change: c.320A>G on transcript NM_020376.4 (MANE Select); coding-DNA position 320, A replaced by G.
Protein change: p.His107Arg; replaces histidine 107 with arginine.
Molecular consequence: missense variant.
Genome position (GRCh38, 1-based): chr11:821,760, A>G. VCF-style: chr11-821760-A-G. GRCh37 (hg19) VCF-style: chr11-821760-A-G.
Other names: short protein forms H107R.
Identifiers: ClinVar variation 1439741 (VCV001439741.7), dbSNP rs749654266, ClinGen allele CA5790939.